The following is an entry in ClinVar:

NM_015909.4(NBAS):c.1171A>G (p.Ile391Val)

Gene: NBAS (NBAS subunit of NRZ tethering complex; minus strand). Cytogenetic location: 2p24.3.
Variant type: single nucleotide variant.
Coding change: c.1171A>G on transcript NM_015909.4 (MANE Select); coding-DNA position 1171, A replaced by G.
Protein change: p.Ile391Val; replaces isoleucine 391 with valine.
Molecular consequence: missense variant. On other transcripts: non-coding transcript variant (1).
Genome position (GRCh38, 1-based): chr2:15,475,857, T>C on the plus strand (A>G on the coding strand, the complement: NBAS is on the minus strand). VCF-style: chr2-15475857-T-C. GRCh37 (hg19) VCF-style: chr2-15615981-T-C.
Other names: short protein forms I391V.
Identifiers: ClinVar variation 2091378 (VCV002091378.4), dbSNP rs755337855, ClinGen allele CA345891292.

ClinVar aggregate classification (germline): Uncertain significance (1 of 4 stars; one submission).

gnomAD v4.1: 2 of 1,613,830 alleles (0.00012%); highest among the groups gnomAD compares: African/African-American, 0.0013%; no homozygotes.

Submission:

Labcorp Genetics (formerly Invitae), Labcorp
Classification: Uncertain significance. Last evaluated: 2024-12-16. Review status: criteria provided, single submitter. Criteria: Invitae Variant Classification Sherloc (09022015). Collection method: clinical testing. Allele origin: germline.
Comment: This sequence change replaces isoleucine, which is neutral and non-polar, with valine, which is neutral and non-polar, at codon 391 of the NBAS protein (p.Ile391Val). This variant is not present in population databases (gnomAD no frequency). This variant has not been reported in the literature in individuals affected with NBAS-related conditions. ClinVar contains an entry for this variant (Variation ID: 2091378). Invitae Evidence Modeling of protein sequence and biophysical properties (such as structural, functional, and spatial information, amino acid conservation, physicochemical variation, residue mobility, and thermodynamic stability) indicates that this missense variant is not expected to disrupt NBAS protein function with a negative predictive value of 95%. In summary, the available evidence is currently insufficient to determine the role of this variant in disease. Therefore, it has been classified as a Variant of Uncertain Significance.